The following is an entry in ClinVar:

ClinVar aggregate classification (germline): Uncertain significance. Review status: criteria provided, multiple submitters, no conflicts (2 of 4 stars). 2 submissions from 2 submitters: Uncertain significance (2). Last evaluated 2025-05-29.

Allele frequency attached by ClinVar (database versions not stated): gnomAD exomes below 0.00001; gnomAD 0.00001; TOPMed 0.00004.
gnomAD v4.1: 4 of 1,610,818 alleles (0.00025%); highest among the groups gnomAD compares: African/African-American, 0.0027%; no homozygotes.

Submissions (2):

Ambry Genetics
Classification: Uncertain significance. Last evaluated: 2025-05-29. Review status: criteria provided, single submitter. Criteria: Ambry Variant Classification Scheme 2023. Collection method: clinical testing. Allele origin: germline.

GeneDx
Classification: Uncertain significance. Last evaluated: 2019-06-28. Review status: criteria provided, single submitter. Criteria: GeneDx Variant Classification Process June 2021. Collection method: clinical testing. Allele origin: germline. Affected: yes.
Comment: Not observed in large population cohorts (Lek et al., 2016); In silico analysis, which includes protein predictors and evolutionary conservation, supports that this variant does not alter protein structure/function; Has not been previously published as pathogenic or benign to our knowledge

NM_152415.3(VPS37A):c.355C>G (p.Leu119Val)

Gene: VPS37A (VPS37A subunit of ESCRT-I; plus strand). Cytogenetic location: 8p22.
Variant type: single nucleotide variant.
Coding change: c.355C>G on transcript NM_152415.3 (MANE Select); coding-DNA position 355, C replaced by G.
Protein change: p.Leu119Val; replaces leucine 119 with valine.
Molecular consequence: missense variant.
Genome position (GRCh38, 1-based): chr8:17,268,895, C>G. VCF-style: chr8-17268895-C-G. GRCh37 (hg19) VCF-style: chr8-17126404-C-G.
Other names: c.280C>G, p.Leu94Val (NM_001145152.2); c.355C>G, p.Leu119Val (NM_001363167.1, NM_001363173.2); c.85C>G, p.Leu29Val (NM_001363168.1, NM_001363169.1, NM_001363170.1 and 2 more transcripts); short protein forms L119V, L29V, L94V.
Identifiers: ClinVar variation 1302484 (VCV001302484.3), dbSNP rs988425807, ClinGen allele CA172959524.